The following is an entry in ClinVar:

NM_000135.4(FANCA):c.793-2A>G

Gene: FANCA (FA complementation group A; minus strand). Cytogenetic location: 16q24.3.
Variant type: single nucleotide variant.
Coding change: c.793-2A>G on transcript NM_000135.4 (MANE Select); the canonical splice acceptor site of the intron before coding-DNA position 793, A replaced by G.
Molecular consequence: splice acceptor variant.
Genome position (GRCh38, 1-based): chr16:89,799,640, T>C on the plus strand (A>G on the coding strand, the complement: FANCA is on the minus strand). VCF-style: chr16-89799640-T-C. GRCh37 (hg19) VCF-style: chr16-89866048-T-C.
Other names: c.793-2A>G (NM_001286167.3, NM_001018112.3); c.697-2A>G (NM_001351830.2).
Identifiers: ClinVar variation 2865673 (VCV002865673.3), dbSNP rs2040372065, ClinGen allele CA397473719.

ClinVar aggregate classification (germline): Likely pathogenic (1 of 4 stars; one submission).

Conditions:
Fanconi anemia (FA). Also called: Fanconi's anemia. Identifiers: Orphanet 84, MedGen C0015625, MeSH D005199, MONDO:0019391.

Submission:

Labcorp Genetics (formerly Invitae), Labcorp
Classification: Likely pathogenic for Fanconi anemia. Last evaluated: 2023-05-19. Review status: criteria provided, single submitter. Criteria: Invitae Variant Classification Sherloc (09022015). Collection method: clinical testing. Allele origin: germline.
Comment: Disruption of this splice site has been observed in individual(s) with clinical features of Fanconi anemia (Invitae). Studies have shown that disruption of this splice site results in skipping of exon 9 in addition to activation of a cryptic splice site in intron 8 and introduces a premature termination codon (PMID: 24584348). The resulting mRNA is expected to undergo nonsense-mediated decay. In summary, the currently available evidence indicates that the variant is pathogenic, but additional data are needed to prove that conclusively. Therefore, this variant has been classified as Likely Pathogenic. This variant is not present in population databases (gnomAD no frequency). This sequence change affects an acceptor splice site in intron 8 of the FANCA gene. RNA analysis indicates that disruption of this splice site induces altered splicing and may result in an absent or disrupted protein product.

Literature cited by the submitters: PubMed 24584348.